The following is an entry in ClinVar:

ClinVar aggregate classification (germline): Pathogenic (1 of 4 stars; one submission).

Submission:

ISCA Site 6
Classification: Pathogenic. Last evaluated: 2011-08-12. Review status: criteria provided, single submitter. Criteria: Kaminsky et al. (Genet Med. 2011). Collection method: clinical testing. Allele origin: unknown. Affected: yes. Observed: 3 variant alleles. Clinical features observed: Developmental delay AND/OR other significant developmental or morphological phenotypes.
Comment: Copy number variation identified through the course of routine clinical cytogenomic testing in postnatal populations. Clinical assertions have been curated as described in Kaminsky et al. 2011.

GRCh38/hg38 16p13.11-12.3(chr16:15434653-18055828)x1

Genes: ABCC1 (ATP binding cassette subfamily C member 1 (ABCC1 blood group); plus strand), ABCC6 (ATP binding cassette subfamily C member 6; minus strand), BMERB1 (bMERB domain containing 1; plus strand), CEP20 (centrosomal protein 20; minus strand), MARF1 (meiosis regulator and mRNA stability factor 1; minus strand) and 61 more. Cytogenetic location: 16p13.11-12.3.
Variant type: copy number loss.
Change: copy number 1 (one copy instead of two) of chr16:15,434,653-18,055,828 (2.62 Mb, GRCh38 coordinates, 1-based), cytogenetic band 16p13.11-12.3.
Identifiers: ClinVar variation 58731 (VCV000058731.2).